The following is an entry in ClinVar:

NM_152641.4(ARID2):c.4940C>T (p.Ser1647Leu)

Gene: ARID2 (AT-rich interaction domain 2; plus strand). Cytogenetic location: 12q12.
Variant type: single nucleotide variant.
Coding change: c.4940C>T on transcript NM_152641.4 (MANE Select); coding-DNA position 4940, C replaced by T.
Protein change: p.Ser1647Leu; replaces serine 1647 with leucine.
Molecular consequence: missense variant.
Genome position (GRCh38, 1-based): chr12:45,891,797, C>T. VCF-style: chr12-45891797-C-T. GRCh37 (hg19) VCF-style: chr12-46285580-C-T.
Other names: c.4940C>T, p.Ser1647Leu (NM_001347839.2); short protein forms S1647L.
Identifiers: ClinVar variation 2576807 (VCV002576807.1), dbSNP rs2138231884, ClinGen allele CA384497191.

ClinVar aggregate classification (germline): Uncertain significance (1 of 4 stars; one submission).

Submission:

GeneDx
Classification: Uncertain significance. Last evaluated: 2023-02-10. Review status: criteria provided, single submitter. Criteria: GeneDx Variant Classification Process June 2021. Collection method: clinical testing. Allele origin: germline. Affected: yes.
Comment: Not observed at significant frequency in large population cohorts (gnomAD); In silico analysis supports that this missense variant has a deleterious effect on protein structure/function; Has not been previously published as pathogenic or benign to our knowledge